The following is an entry in ClinVar:

NM_000548.5(TSC2):c.226-6T>C

Gene: TSC2 (TSC complex subunit 2; plus strand). Cytogenetic location: 16p13.3.
Variant type: single nucleotide variant.
Coding change: c.226-6T>C on transcript NM_000548.5 (MANE Select); 6 bases into the intron before coding-DNA position 226, T replaced by C.
Molecular consequence: intron variant.
Genome position (GRCh38, 1-based): chr16:2,053,336, T>C. VCF-style: chr16-2053336-T-C. GRCh37 (hg19) VCF-style: chr16-2103337-T-C.
Other names: c.226-6T>C (NM_001114382.3, NM_021055.3, NM_001370405.1 and 3 more transcripts); c.226-960T>C (NM_001318827.2); c.-2+2850T>C (NM_001318831.2); c.79-6T>C (NM_001318829.2); c.259-6T>C (NM_001318832.2).
Identifiers: ClinVar variation 627569 (VCV000627569.4), dbSNP rs765069074, ClinGen allele CA038101.

ClinVar aggregate classification (germline): Uncertain significance (1 of 4 stars; one submission).

Conditions:
Tuberous sclerosis 1 (TSC1). Identifiers: Orphanet 805, MedGen C1854465, MONDO:0008612, OMIM 191100.

Allele frequency attached by ClinVar (database versions not stated): ExAC below 0.00001; TOPMed below 0.00001; gnomAD 0.00001.

Submission:

Department of Medical Genetics, University of Pecs
Classification: Uncertain significance for Tuberous sclerosis 1. Last evaluated: 2018-01-30. Review status: criteria provided, single submitter. Criteria: ACMG Guidelines, 2015. Collection method: clinical testing. Allele origin: germline. Affected: yes. Observed: 1 heterozygote.
Comment: The TSC2 variant c.226-6T>G is predicted to disrupt the highly conserved acceptor splice site of exon 4. The variant is found by WES in a TSC cohort, where no TSC1/TSC2 mutations were identified using routine molecular genetic diagnostic tools (Sanger sequencing, MLPA)